The following is an entry in ClinVar:

ClinVar aggregate classification (germline): Uncertain significance. Review status: criteria provided, single submitter (1 of 4 stars). 2 submissions from 2 submitters: Uncertain significance (1). 1 of the submissions does not count toward it. Last evaluated 2024-03-25.

Conditions:
Sphingomyelin/cholesterol lipidosis. Also called: Niemann-Pick disease. Identifiers: MedGen C0028064, MONDO:0001982.
Niemann-Pick disease, type A. Also called: Infantile Neurovisceral ASMD (Niemann-Pick Disease Type A; NPD-A); SPHINGOMYELIN LIPIDOSIS; SPHINGOMYELINASE DEFICIENCY. Identifiers: Orphanet 77292, MedGen C0268242, MONDO:0009756, OMIM 257200. Disease mechanism: loss of function.

Submissions (2):

Genomic Medicine Center of Excellence, King Faisal Specialist Hospital and Research Centre
Classification: Uncertain significance for Niemann-Pick disease, type A. Last evaluated: 2024-03-25. Review status: criteria provided, single submitter. Criteria: ACMG Guidelines, 2015. Collection method: clinical testing. Allele origin: germline.

GeneReviews
No classification provided. Condition: Sphingomyelin/cholesterol lipidosis. Review status: no classification provided. Collection method: literature only. Allele origin: germline. Not counted in ClinVar's aggregate classification.
Comment: Found most commonly in persons from Saudi Arabia. Leads to early-onset severe form of Niemann-Pick disease type-A

Literature cited by the submitters: PubMed 12369017 (cited by GeneReviews).

NM_000543.5(SMPD1):c.1734G>C (p.Lys578Asn)

Gene: SMPD1 (sphingomyelin phosphodiesterase 1; plus strand). Cytogenetic location: 11p15.4.
Variant type: single nucleotide variant.
Coding change: c.1734G>C on transcript NM_000543.5 (MANE Select); coding-DNA position 1734, G replaced by C.
Protein change: p.Lys578Asn; replaces lysine 578 with asparagine.
Molecular consequence: missense variant. On other transcripts: 3 prime UTR variant (1), non-coding transcript variant (2).
Genome position (GRCh38, 1-based): chr11:6,394,445, G>C. VCF-style: chr11-6394445-G-C. GRCh37 (hg19) VCF-style: chr11-6415675-G-C.
Other names: c.1731G>C, p.Lys577Asn (NM_001007593.3); c.*227G>C (NM_001318087.2); c.813G>C, p.Lys271Asn (NM_001318088.2); c.1602G>C, p.Lys534Asn (NM_001365135.2); short protein forms K578N, K271N, K577N, K534N.
Identifiers: ClinVar variation 203428 (VCV000203428.26), dbSNP rs747342458, ClinGen allele CA347293.